The following is an entry in ClinVar:

ClinVar aggregate classification (germline): Uncertain significance (1 of 4 stars; one submission).

Conditions:
Cystic fibrosis (CF). Also called: MUCOVISCIDOSIS. Identifiers: Orphanet 586, MedGen C0010674, MONDO:0009061, OMIM 219700. Disease mechanism: loss of function.

Allele frequency attached by ClinVar (database versions not stated): gnomAD exomes below 0.00001 and 0.00002; ExAC 0.00001; gnomAD 0.00001.
gnomAD v4.1: 6 of 1,611,688 alleles (0.00037%); highest among the groups gnomAD compares: South Asian, 0.0055%; no homozygotes.

Submission:

Labcorp Genetics (formerly Invitae), Labcorp
Classification: Uncertain significance for Cystic fibrosis. Last evaluated: 2021-08-28. Review status: criteria provided, single submitter. Criteria: Invitae Variant Classification Sherloc (09022015). Collection method: clinical testing. Allele origin: germline.
Comment: This sequence change replaces alanine with serine at codon 280 of the CFTR protein (p.Ala280Ser). The alanine residue is moderately conserved and there is a moderate physicochemical difference between alanine and serine. This variant is present in population databases (rs749377803, ExAC 0.006%). This variant has not been reported in the literature in individuals affected with CFTR-related conditions. Algorithms developed to predict the effect of missense changes on protein structure and function (SIFT, PolyPhen-2, Align-GVGD) all suggest that this variant is likely to be tolerated. In summary, the available evidence is currently insufficient to determine the role of this variant in disease. Therefore, it has been classified as a Variant of Uncertain Significance.

NM_000492.4(CFTR):c.838G>T (p.Ala280Ser)

Gene: CFTR (CF transmembrane conductance regulator; plus strand). Cytogenetic location: 7q31.2.
Variant type: single nucleotide variant.
Coding change: c.838G>T on transcript NM_000492.4 (MANE Select); coding-DNA position 838, G replaced by T.
Protein change: p.Ala280Ser; replaces alanine 280 with serine.
Molecular consequence: missense variant.
Genome position (GRCh38, 1-based): chr7:117,536,642, G>T. VCF-style: chr7-117536642-G-T. GRCh37 (hg19) VCF-style: chr7-117176696-G-T.
Other names: short protein forms A280S.
Identifiers: ClinVar variation 1479948 (VCV001479948.5), dbSNP rs749377803, ClinGen allele CA4450840.